The following is an entry in ClinVar:

ClinVar aggregate classification (germline): Uncertain significance (1 of 4 stars; one submission).

Submission:

Women's Health and Genetics/Laboratory Corporation of America, LabCorp
Classification: Uncertain significance. Last evaluated: 2018-10-12. Review status: criteria provided, single submitter. Criteria: LabCorp Variant Classification Summary - May 2015. Collection method: clinical testing. Allele origin: germline.
Comment: Variant summary: GALT c.820+18G>A alters a non-conserved nucleotide located close to a canonical splice site and therefore could affect mRNA splicing, leading to a significantly altered protein sequence. 5/5 computational tools predict no significant impact on normal splicing to the canonical splice site, though several tools predict a cryptic 5' donor site to be destroyed or weakened. However, these predictions have yet to be confirmed by functional studies. The variant was absent in 245940 control chromosomes (gnomAD). The available data on variant occurrences in the general population are insufficient to allow any conclusion about variant significance. To our knowledge, no occurrence of c.820+18G>A in individuals affected with Galactosemia and no experimental evidence demonstrating its impact on protein function have been reported. No clinical diagnostic laboratories have submitted clinical-significance assessments for this variant to ClinVar after 2014. Based on the evidence outlined above, the variant was classified as uncertain significance.

NM_000155.4(GALT):c.820+18G>A

Gene: GALT (galactose-1-phosphate uridylyltransferase; plus strand). Cytogenetic location: 9p13.3.
Variant type: single nucleotide variant.
Coding change: c.820+18G>A on transcript NM_000155.4 (MANE Select); 18 bases into the intron after coding-DNA position 820, G replaced by A.
Molecular consequence: intron variant.
Genome position (GRCh38, 1-based): chr9:34,648,912, G>A. VCF-style: chr9-34648912-G-A. GRCh37 (hg19) VCF-style: chr9-34648909-G-A.
Other names: c.493+18G>A (NM_001258332.2).
Identifiers: ClinVar variation 633235 (VCV000633235.1), dbSNP rs1564101965, ClinGen allele CA913189549.
Genomic context (GRCh38, chr9:34,648,912, plus strand): 5'-CATGTGCGGCGGCTACCTGAGCTGACCCCTGCTGAGCGTGATGGTCAGTCTCCCAAGTAG[G>A]ATCCTGGGGCTAGGCACTGGATGGAGGTTGCTCCCAGTAGGGTCAGCATCTGGACCCCAG-3'